The following is an entry in ClinVar:

NM_005592.4(MUSK):c.1063G>A (p.Ala355Thr)

Gene: MUSK (muscle associated receptor tyrosine kinase; plus strand). Cytogenetic location: 9q31.3.
Variant type: single nucleotide variant.
Coding change: c.1063G>A on transcript NM_005592.4 (MANE Select); coding-DNA position 1063, G replaced by A.
Protein change: p.Ala355Thr; replaces alanine 355 with threonine.
Molecular consequence: missense variant. On other transcripts: 5 prime UTR variant (1), intron variant (2).
Genome position (GRCh38, 1-based): chr9:110,767,962, G>A. VCF-style: chr9-110767962-G-A. GRCh37 (hg19) VCF-style: chr9-113530242-G-A.
Other names: c.-174G>A (NM_001369398.1); c.950+5754G>A (NM_001166280.2); c.920+5754G>A (NM_001166281.2); c.1063G>A (NM_005592.3); short protein forms A355T.
Identifiers: ClinVar variation 1002457 (VCV001002457.7), dbSNP rs758777519, ClinGen allele CA5184271.

ClinVar aggregate classification (germline): Uncertain significance. Review status: criteria provided, multiple submitters, no conflicts (2 of 4 stars). 2 submissions from 2 submitters: Uncertain significance (2). Last evaluated 2025-08-07.

Conditions:
Inborn genetic diseases. Identifiers: MedGen C0950123, MeSH D030342.
Fetal akinesia deformation sequence 1 (FADS1). Also called: Pena-Shokeir syndrome type I; Fetal akinesia sequence. Identifiers: Orphanet 994, MedGen C1276035, MONDO:0100101, OMIM 208150, HP:0001989.
Congenital myasthenic syndrome 9. Also called: Myasthenic syndrome, congenital, 9, associated with acetylcholine receptor deficiency. Identifiers: Orphanet 590, MedGen C4225368, MONDO:0014587, OMIM 616325.

Allele frequency attached by ClinVar (database versions not stated): gnomAD exomes below 0.00001; ExAC 0.00001; gnomAD 0.00001; TOPMed 0.00002.
gnomAD v4.1: 3 of 1,613,852 alleles (0.00019%); highest among the groups gnomAD compares: African/African-American, 0.004%; no homozygotes.

Submissions (2):

Ambry Genetics
Classification: Uncertain significance for Inborn genetic diseases. Last evaluated: 2025-08-07. Review status: criteria provided, single submitter. Criteria: Ambry Variant Classification Scheme 2023. Collection method: clinical testing. Allele origin: germline.

Labcorp Genetics (formerly Invitae), Labcorp
Classification: Uncertain significance for Congenital myasthenic syndrome 9; Fetal akinesia deformation sequence 1. Last evaluated: 2022-06-20. Review status: criteria provided, single submitter. Criteria: Invitae Variant Classification Sherloc (09022015). Collection method: clinical testing. Allele origin: germline.
Comment: This sequence change replaces alanine, which is neutral and non-polar, with threonine, which is neutral and polar, at codon 355 of the MUSK protein (p.Ala355Thr). This variant is present in population databases (rs758777519, gnomAD 0.008%). This variant has not been reported in the literature in individuals affected with MUSK-related conditions. ClinVar contains an entry for this variant (Variation ID: 1002457). Advanced modeling of protein sequence and biophysical properties (such as structural, functional, and spatial information, amino acid conservation, physicochemical variation, residue mobility, and thermodynamic stability) performed at Invitae indicates that this missense variant is not expected to disrupt MUSK protein function. In summary, the available evidence is currently insufficient to determine the role of this variant in disease. Therefore, it has been classified as a Variant of Uncertain Significance.